The following is an entry in ClinVar:

ClinVar aggregate classification (germline): Conflicting classifications of pathogenicity. Review status: criteria provided, conflicting classifications (1 of 4 stars). 3 submissions from 3 submitters: Uncertain significance (2); Likely benign (1). Last evaluated 2026-01-17.

Conditions:
Inborn genetic diseases. Identifiers: MedGen C0950123, MeSH D030342.
Pitt-Hopkins-like syndrome 2 (PTHSL2). Identifiers: Orphanet 221150, Orphanet 600663, MedGen C3280479, MONDO:0013690, OMIM 614325.

Allele frequency attached by ClinVar (database versions not stated): ExAC 0.00007; gnomAD exomes 0.00008 and 0.00021; TOPMed 0.00009; gnomAD 0.00011.
gnomAD v4.1: 286 of 1,493,286 alleles (0.019%); highest among the groups gnomAD compares: Non-Finnish European, 0.023%; no homozygotes.

Submissions (3):

Labcorp Genetics (formerly Invitae), Labcorp
Classification: Uncertain significance for Pitt-Hopkins-like syndrome 2. Last evaluated: 2026-01-17. Review status: criteria provided, single submitter. Criteria: Invitae Variant Classification Sherloc (09022015). Collection method: clinical testing. Allele origin: germline.
Comment: This sequence change replaces threonine, which is neutral and polar, with methionine, which is neutral and non-polar, at codon 633 of the NRXN1 protein (p.Thr633Met). This variant is present in population databases (rs201530175, gnomAD 0.04%). This variant has not been reported in the literature in individuals affected with NRXN1-related conditions. ClinVar contains an entry for this variant (Variation ID: 206223). An algorithm developed to predict the effect of missense changes on protein structure and function (PolyPhen-2) suggests that this variant is likely to be disruptive. In summary, the available evidence is currently insufficient to determine the role of this variant in disease. Therefore, it has been classified as a Variant of Uncertain Significance.

Ambry Genetics
Classification: Uncertain significance for Inborn genetic diseases. Last evaluated: 2024-10-07. Review status: criteria provided, single submitter. Criteria: Ambry Variant Classification Scheme 2023. Collection method: clinical testing. Allele origin: germline.

GeneDx
Classification: Likely benign. Last evaluated: 2021-03-20. Review status: criteria provided, single submitter. Criteria: GeneDx Variant Classification Process June 2021. Collection method: clinical testing. Allele origin: germline. Affected: yes.

NM_001330078.2(NRXN1):c.1778C>T (p.Thr593Met)

Gene: NRXN1 (neurexin 1; minus strand). Cytogenetic location: 2p16.3.
Variant type: single nucleotide variant.
Coding change: c.1778C>T on transcript NM_001330078.2 (MANE Select); coding-DNA position 1778, C replaced by T.
Protein change: p.Thr593Met; replaces threonine 593 with methionine.
Molecular consequence: missense variant.
Genome position (GRCh38, 1-based): chr2:50,538,618, G>A on the plus strand (C>T on the coding strand, the complement: NRXN1 is on the minus strand). VCF-style: chr2-50538618-G-A. GRCh37 (hg19) VCF-style: chr2-50765756-G-A.
Other names: p.T633M:ACG>ATG; c.1898C>T, p.Thr633Met (NM_001135659.3); c.1754C>T, p.Thr585Met (NM_001330077.2, NM_001330082.2, NM_001330095.2); c.1739C>T, p.Thr580Met (NM_001330083.2, NM_001330084.2); c.1778C>T, p.Thr593Met (NM_001330085.2, NM_001330086.2, NM_004801.6); c.1694C>T, p.Thr565Met (NM_001330087.2, NM_001330096.2); c.1724C>T, p.Thr575Met (NM_001330088.2); c.1775C>T, p.Thr592Met (NM_001330093.2); and 1 more; short protein forms T633M, T593M, T565M, T575M, T580M, T589M, T592M, T585M.
Identifiers: ClinVar variation 206223 (VCV000206223.11), dbSNP rs201530175, ClinGen allele CA316095.